The following is an entry in ClinVar:

NM_000018.4(ACADVL):c.1732A>G (p.Met578Val)

Gene: ACADVL (acyl-CoA dehydrogenase very long chain; plus strand). Cytogenetic location: 17p13.1.
Variant type: single nucleotide variant.
Coding change: c.1732A>G on transcript NM_000018.4 (MANE Select); coding-DNA position 1732, A replaced by G.
Protein change: p.Met578Val; replaces methionine 578 with valine.
Molecular consequence: missense variant.
Genome position (GRCh38, 1-based): chr17:7,224,695, A>G. VCF-style: chr17-7224695-A-G. GRCh37 (hg19) VCF-style: chr17-7128014-A-G.
Other names: c.1666A>G, p.Met556Val (NM_001033859.3); c.1801A>G, p.Met601Val (NM_001270447.2); c.1504A>G, p.Met502Val (NM_001270448.2); short protein forms M578V, M601V, M502V, M556V.
Identifiers: ClinVar variation 1972478 (VCV001972478.5), dbSNP rs2508367233, ClinGen allele CA397725754.

ClinVar aggregate classification (germline): Uncertain significance (1 of 4 stars; one submission).

Conditions:
Very long chain acyl-CoA dehydrogenase deficiency (ACADVLD). Also called: VLCAD Deficiency; Very Long-Chain Acyl-Coenzyme A Dehydrogenase Deficiency. Identifiers: Orphanet 26793, MedGen C3887523, MONDO:0008723, OMIM 201475.

Allele frequency attached by ClinVar (database versions not stated): gnomAD exomes below 0.00001.
gnomAD v4.1: 1 of 1,505,306 alleles (0.000066%); highest among the groups gnomAD compares: Non-Finnish European, 0.000089%; no homozygotes.

Submission:

Labcorp Genetics (formerly Invitae), Labcorp
Classification: Uncertain significance for Very long chain acyl-CoA dehydrogenase deficiency. Last evaluated: 2022-01-07. Review status: criteria provided, single submitter. Criteria: Invitae Variant Classification Sherloc (09022015). Collection method: clinical testing. Allele origin: germline.
Comment: This variant is not present in population databases (gnomAD no frequency). This sequence change replaces methionine, which is neutral and non-polar, with valine, which is neutral and non-polar, at codon 578 of the ACADVL protein (p.Met578Val). This variant has not been reported in the literature in individuals affected with ACADVL-related conditions. In summary, the available evidence is currently insufficient to determine the role of this variant in disease. Therefore, it has been classified as a Variant of Uncertain Significance. Algorithms developed to predict the effect of missense changes on protein structure and function (SIFT, PolyPhen-2, Align-GVGD) all suggest that this variant is likely to be tolerated.